The following is an entry in ClinVar:

ClinVar aggregate classification (germline): Uncertain significance. Review status: criteria provided, multiple submitters, no conflicts (2 of 4 stars). 3 submissions from 3 submitters: Uncertain significance (3). Last evaluated 2024-12-15.

Conditions:
Inborn genetic diseases. Identifiers: MedGen C0950123, MeSH D030342.
Nance-Horan syndrome (NHS). Identifiers: Orphanet 627, MedGen C0796085, MONDO:0010545, OMIM 302350.

Allele frequency attached by ClinVar (database versions not stated): gnomAD exomes 0.00001; TOPMed 0.00001.
gnomAD v4.1: 8 of 1,211,452 alleles (0.00066%); highest among the groups gnomAD compares: Non-Finnish European, 0.00078%; no homozygotes.

Submissions (3):

Labcorp Genetics (formerly Invitae), Labcorp
Classification: Uncertain significance for Nance-Horan syndrome. Last evaluated: 2024-12-15. Review status: criteria provided, single submitter. Criteria: Invitae Variant Classification Sherloc (09022015). Collection method: clinical testing. Allele origin: germline.
Comment: This sequence change replaces aspartic acid, which is acidic and polar, with histidine, which is basic and polar, at codon 1263 of the NHS protein (p.Asp1263His). This variant is not present in population databases (gnomAD no frequency). This variant has not been reported in the literature in individuals affected with NHS-related conditions. ClinVar contains an entry for this variant (Variation ID: 2500491). Invitae Evidence Modeling of protein sequence and biophysical properties (such as structural, functional, and spatial information, amino acid conservation, physicochemical variation, residue mobility, and thermodynamic stability) indicates that this missense variant is not expected to disrupt NHS protein function with a negative predictive value of 80%. In summary, the available evidence is currently insufficient to determine the role of this variant in disease. Therefore, it has been classified as a Variant of Uncertain Significance.

Ambry Genetics
Classification: Uncertain significance for Inborn genetic diseases. Last evaluated: 2024-11-11. Review status: criteria provided, single submitter. Criteria: Ambry Variant Classification Scheme 2023. Collection method: clinical testing. Allele origin: germline.

GeneDx
Classification: Uncertain significance. Last evaluated: 2022-10-26. Review status: criteria provided, single submitter. Criteria: GeneDx Variant Classification Process June 2021. Collection method: clinical testing. Allele origin: germline. Affected: yes.
Comment: Not observed at significant frequency in large population cohorts (gnomAD); In silico analysis supports that this missense variant does not alter protein structure/function; Has not been previously published as pathogenic or benign to our knowledge

NM_001291867.2(NHS):c.3850G>C (p.Asp1284His)

Gene: NHS (NHS actin remodeling regulator; plus strand). Cytogenetic location: Xp22.13.
Variant type: single nucleotide variant.
Coding change: c.3850G>C on transcript NM_001291867.2 (MANE Select); coding-DNA position 3850, G replaced by C.
Protein change: p.Asp1284His; replaces aspartic acid 1284 with histidine.
Molecular consequence: missense variant.
Genome position (GRCh38, 1-based): chrX:17,727,956, G>C. VCF-style: chrX-17727956-G-C. GRCh37 (hg19) VCF-style: chrX-17746076-G-C.
Other names: c.3319G>C, p.Asp1107His (NM_001136024.4); c.3256G>C, p.Asp1086His (NM_001291868.2); c.3787G>C, p.Asp1263His (NM_198270.4); short protein forms D1086H, D1107H, D1263H, D1284H.
Identifiers: ClinVar variation 2500491 (VCV002500491.3), dbSNP rs2066461207, ClinGen allele CA412366367.
Genomic context (GRCh38, chrX:17,727,956, plus strand): 5'-ACCAAAAACTGTGCTTTTCCCACAGAAGGATTTCAGAGGGTCTCTGCTGCCCGCCCAAAT[G>C]ATTTGGATGGTAAAATAATACAATATGGACCTGGTCCAGACGAAACTCTAGAACAGGTAC-3'
Protein context (NP_001278796.1, residues 1274-1294): FQRVSAARPN[Asp1284His]LDGKIIQYGP